The following is an entry in ClinVar:

NM_017649.5(CNNM2):c.-110A>T

Gene: CNNM2 (cyclin and CBS domain divalent metal cation transport mediator 2; plus strand). Cytogenetic location: 10q24.32.
Variant type: single nucleotide variant.
Coding change: c.-110A>T on transcript NM_017649.5 (MANE Select); 110 bases upstream of the start codon, A replaced by T.
Molecular consequence: 5 prime UTR variant.
Genome position (GRCh38, 1-based): chr10:102,918,371, A>T. VCF-style: chr10-102918371-A-T. GRCh37 (hg19) VCF-style: chr10-104678128-A-T.
Other names: c.-110A>T (NM_199076.3, NM_199077.3).
Identifiers: ClinVar variation 298632 (VCV000298632.6), dbSNP rs555951352, ClinGen allele CA10630852.

ClinVar aggregate classification (germline): Benign/Likely benign. Review status: criteria provided, multiple submitters, no conflicts (2 of 4 stars). 2 submissions from 2 submitters: Benign (1); Likely benign (1). Last evaluated 2026-05-06.

Conditions:
Renal hypomagnesemia 6. Identifiers: Orphanet 34527, MedGen C3151295, MONDO:0013480, OMIM 613882.

Allele frequency attached by ClinVar (database versions not stated): gnomAD below 0.00001 and 0.00011; TOPMed 0.00001; gnomAD exomes 0.00014; 1000 Genomes Project 30x 0.00109; 1000 Genomes Project 0.00140.
gnomAD v4.1: 210 of 1,494,516 alleles (0.014%); highest among the groups gnomAD compares: South Asian, 0.24%; no homozygotes.

Submissions (2):

Revvity Omics, Revvity
Classification: Likely benign. Last evaluated: 2026-05-06. Review status: criteria provided, single submitter. Criteria: ACMG Guidelines, 2015. Collection method: clinical testing. Allele origin: germline.

Illumina Laboratory Services, Illumina
Classification: Benign for Renal hypomagnesemia 6. Last evaluated: 2018-01-13. Review status: criteria provided, single submitter. Criteria: ICSL Variant Classification Criteria 13 December 2019. Collection method: clinical testing. Allele origin: germline.
Comment: This variant was observed in the ICSL laboratory as part of a predisposition screen in an ostensibly healthy population. It had not been previously curated by ICSL or reported in the Human Gene Mutation Database (HGMD: prior to June 1st, 2018), and was therefore a candidate for classification through an automated scoring system. Utilizing variant allele frequency, disease prevalence and penetrance estimates, and inheritance mode, an automated score was calculated to assess if this variant is too frequent to cause the disease. Based on the score and internal cut-off values, a variant classified as benign is not then subjected to further curation. The score for this variant resulted in a classification of benign for this disease.